The following is an entry in ClinVar:

Conditions:
Long QT syndrome 5 (LQT5). Identifiers: Orphanet 101016, Orphanet 768, MedGen C1867904, MONDO:0013372, OMIM 613695.

Submission:

Roden Lab, Vanderbilt University Medical Center
No classification provided (evidence only). Condition: Long QT syndrome 5. Review status: no classification provided. Collection method: in vitro. Allele origin: not applicable. Functional consequence: Effect on ion channel function.
ClinVar note: "not provided" was previously submitted as the classification for the variant. However, the classification appeared to be based only on an observation of functional data so it was converted to no classification on 2025-07-30.

NM_000219.6(KCNE1):c.337C>T (p.Leu113=)

Gene: KCNE1 (potassium voltage-gated channel subfamily E regulatory subunit 1; minus strand). Cytogenetic location: 21q22.12.
Variant type: single nucleotide variant.
Coding change: c.337C>T on transcript NM_000219.6 (MANE Select); coding-DNA position 337, C replaced by T.
Protein change: p.Leu113=; no amino-acid change (leucine 113 retained).
Molecular consequence: synonymous variant.
Genome position (GRCh38, 1-based): chr21:34,449,298, G>A on the plus strand (C>T on the coding strand, the complement: KCNE1 is on the minus strand). VCF-style: chr21-34449298-G-A. GRCh37 (hg19) VCF-style: chr21-35821596-G-A.
Other names: c.337C>T, p.Leu113= (NM_001127668.4, NM_001127669.4, NM_001127670.4 and 4 more transcripts).
Identifiers: ClinVar variation 3374678 (VCV003374678.2).